The following is an entry in ClinVar:

ClinVar aggregate classification (germline): Uncertain significance. Review status: criteria provided, multiple submitters, no conflicts (2 of 4 stars). 2 submissions from 2 submitters: Uncertain significance (2). Last evaluated 2025-03-26.

Conditions:
Legius syndrome. Identifiers: Orphanet 137605, MedGen C1969623, MONDO:0012669, OMIM 611431. Disease mechanism: loss of function.
Cardiovascular phenotype. Identifiers: MedGen CN230736.

Allele frequency attached by ClinVar (database versions not stated): gnomAD exomes below 0.00001.
gnomAD v4.1: 1 of 1,614,142 alleles (0.000062%); highest among the groups gnomAD compares: Middle Eastern, 0.016%; no homozygotes.

Submissions (2):

Ambry Genetics
Classification: Uncertain significance for Cardiovascular phenotype. Last evaluated: 2025-03-26. Review status: criteria provided, single submitter. Criteria: Ambry Variant Classification Scheme 2023. Collection method: clinical testing. Allele origin: germline.
Comment: The p.K306E variant (also known as c.916A>G), located in coding exon 7 of the SPRED1 gene, results from an A to G substitution at nucleotide position 916. The lysine at codon 306 is replaced by glutamic acid, an amino acid with similar properties. This amino acid position is conserved. In addition, the in silico prediction for this alteration is inconclusive. Based on the available evidence, the clinical significance of this variant remains unclear.

Labcorp Genetics (formerly Invitae), Labcorp
Classification: Uncertain significance for Legius syndrome. Last evaluated: 2021-12-23. Review status: criteria provided, single submitter. Criteria: Invitae Variant Classification Sherloc (09022015). Collection method: clinical testing. Allele origin: germline.
Comment: This sequence change replaces lysine, which is basic and polar, with glutamic acid, which is acidic and polar, at codon 306 of the SPRED1 protein (p.Lys306Glu). This variant is not present in population databases (gnomAD no frequency). This variant has not been reported in the literature in individuals affected with SPRED1-related conditions. Algorithms developed to predict the effect of missense changes on protein structure and function (SIFT, PolyPhen-2, Align-GVGD) all suggest that this variant is likely to be tolerated. In summary, the available evidence is currently insufficient to determine the role of this variant in disease. Therefore, it has been classified as a Variant of Uncertain Significance.

NM_152594.3(SPRED1):c.916A>G (p.Lys306Glu)

Gene: SPRED1 (sprouty related EVH1 domain containing 1; plus strand). Cytogenetic location: 15q14.
Variant type: single nucleotide variant.
Coding change: c.916A>G on transcript NM_152594.3 (MANE Select); coding-DNA position 916, A replaced by G.
Protein change: p.Lys306Glu; replaces lysine 306 with glutamic acid.
Molecular consequence: missense variant.
Genome position (GRCh38, 1-based): chr15:38,351,245, A>G. VCF-style: chr15-38351245-A-G. GRCh37 (hg19) VCF-style: chr15-38643446-A-G.
Other names: c.916A>G (NM_152594.2); short protein forms K306E.
Identifiers: ClinVar variation 1509781 (VCV001509781.9), dbSNP rs1300035418, ClinGen allele CA391933538.